The following is an entry in ClinVar:

ClinVar aggregate classification (germline): Uncertain significance (1 of 4 stars; one submission).

Conditions:
Alstrom syndrome (ALMS). Identifiers: Orphanet 64, MedGen C0268425, MONDO:0008763, OMIM 203800.

Submission:

Labcorp Genetics (formerly Invitae), Labcorp
Classification: Uncertain significance for Alstrom syndrome. Last evaluated: 2024-10-29. Review status: criteria provided, single submitter. Criteria: Invitae Variant Classification Sherloc (09022015). Collection method: clinical testing. Allele origin: germline.
Comment: This sequence change replaces cysteine, which is neutral and slightly polar, with arginine, which is basic and polar, at codon 3047 of the ALMS1 protein (p.Cys3047Arg). This variant is not present in population databases (gnomAD no frequency). This variant has not been reported in the literature in individuals affected with ALMS1-related conditions. ClinVar contains an entry for this variant (Variation ID: 2045588). Experimental studies and prediction algorithms are not available or were not evaluated, and the functional significance of this variant is currently unknown. In summary, the available evidence is currently insufficient to determine the role of this variant in disease. Therefore, it has been classified as a Variant of Uncertain Significance.

NM_001378454.1(ALMS1):c.9136T>C (p.Cys3046Arg)

Gene: ALMS1 (ALMS1 centrosome and basal body associated protein; plus strand). Cytogenetic location: 2p13.1.
Variant type: single nucleotide variant.
Coding change: c.9136T>C on transcript NM_001378454.1 (MANE Select); coding-DNA position 9136, T replaced by C.
Protein change: p.Cys3046Arg; replaces cysteine 3046 with arginine.
Molecular consequence: missense variant.
Genome position (GRCh38, 1-based): chr2:73,491,095, T>C. VCF-style: chr2-73491095-T-C. GRCh37 (hg19) VCF-style: chr2-73718222-T-C.
Other names: c.9139T>C, p.Cys3047Arg (NM_015120.4); short protein forms C3046R, C3047R.
Identifiers: ClinVar variation 2045588 (VCV002045588.4), dbSNP rs1572970504, ClinGen allele CA347273218.